The following is an entry in ClinVar:

NM_001035.3(RYR2):c.12666G>A (p.Glu4222=)

Genes: RYR2 (ryanodine receptor 2; plus strand), LOC126806068 (BRD4-independent group 4 enhancer GRCh37_chr1:237947411-237948610; plus strand). Cytogenetic location: 1q43.
Variant type: single nucleotide variant.
Coding change: c.12666G>A on transcript NM_001035.3 (MANE Select); coding-DNA position 12666, G replaced by A.
Protein change: p.Glu4222=; no amino-acid change (glutamic acid 4222 retained).
Molecular consequence: synonymous variant.
Genome position (GRCh38, 1-based): chr1:237,784,378, G>A. VCF-style: chr1-237784378-G-A. GRCh37 (hg19) VCF-style: chr1-237947678-G-A.
Identifiers: ClinVar variation 792314 (VCV000792314.14), dbSNP rs1573935771, ClinGen allele CA424032157.

ClinVar aggregate classification (germline): Likely benign. Review status: criteria provided, multiple submitters, no conflicts (2 of 4 stars). 4 submissions from 4 submitters: Likely benign (4). Last evaluated 2026-07-10.

Conditions:
Cardiomyopathy (CMYO). Also called: Cardiomyopathies. Identifiers: Orphanet 167848, MedGen C0878544, MONDO:0004994, HP:0001638. Inheritance: Various modes of inheritance.
Catecholaminergic polymorphic ventricular tachycardia 1. Also called: VENTRICULAR TACHYCARDIA, CATECHOLAMINERGIC POLYMORPHIC, 1, WITH OR WITHOUT ATRIAL DYSFUNCTION AND/OR DILATED CARDIOMYOPATHY; RYR2-Related Catecholaminergic Polymorphic Ventricular Tachycardia; VENTRICULAR TACHYCARDIA, STRESS-INDUCED POLYMORPHIC 1. Identifiers: Orphanet 3286, MedGen C1631597, MONDO:0011484, OMIM 604772.
Cardiovascular phenotype. Identifiers: MedGen CN230736.
Catecholaminergic polymorphic ventricular tachycardia (CVPT). Also called: Catecholamine-induced polymorphic ventricular tachycardia. Identifiers: Orphanet 3286, MedGen C5574922, MONDO:0017990.

Allele frequency attached by ClinVar (database versions not stated): gnomAD exomes below 0.00001.
gnomAD v4.1: 1 of 1,613,606 alleles (0.000062%); highest among the groups gnomAD compares: Non-Finnish European, 0.000085%; no homozygotes.

Submissions (4):

Ambry Genetics
Classification: Likely benign for Cardiovascular phenotype. Last evaluated: 2026-07-10. Review status: criteria provided, single submitter. Criteria: Ambry Variant Classification Scheme 2023. Collection method: clinical testing. Allele origin: germline.

Labcorp Genetics (formerly Invitae), Labcorp
Classification: Likely benign for Catecholaminergic polymorphic ventricular tachycardia 1. Last evaluated: 2024-10-03. Review status: criteria provided, single submitter. Criteria: Invitae Variant Classification Sherloc (09022015). Collection method: clinical testing. Allele origin: germline.

All of Us Research Program, National Institutes of Health
Classification: Likely benign for Catecholaminergic polymorphic ventricular tachycardia. Last evaluated: 2023-12-18. Review status: criteria provided, single submitter. Criteria: ACMG Guidelines, 2015. Collection method: clinical testing. Allele origin: germline. Inheritance: Autosomal dominant inheritance. Observed: 2 variant alleles, 2 heterozygotes.
Comment: This study involves interpretation of variants in research participants for the purpose of population health screening. Participant phenotype was not available at the time of variant classification. Additional details can be found in publication PMID: 35346344, PMCID: PMC8962531

Color Diagnostics, LLC DBA Color Health
Classification: Likely benign for Cardiomyopathy. Last evaluated: 2022-11-06. Review status: criteria provided, single submitter. Criteria: ACMG Guidelines, 2015. Collection method: clinical testing. Allele origin: germline.